The following is an entry in ClinVar:

ClinVar aggregate classification (germline): Uncertain significance (1 of 4 stars; one submission).

Allele frequency attached by ClinVar (database versions not stated): gnomAD exomes below 0.00001; gnomAD 0.00001; TOPMed 0.00001.
gnomAD v4.1: 3 of 1,614,026 alleles (0.00019%); highest among the groups gnomAD compares: East Asian, 0.0045%; no homozygotes.

Submission:

Labcorp Genetics (formerly Invitae), Labcorp
Classification: Uncertain significance. Last evaluated: 2022-02-09. Review status: criteria provided, single submitter. Criteria: Invitae Variant Classification Sherloc (09022015). Collection method: clinical testing. Allele origin: germline.
Comment: This variant is present in population databases (no rsID available, gnomAD 0.007%). This sequence change replaces arginine, which is basic and polar, with cysteine, which is neutral and slightly polar, at codon 687 of the MYH7B protein (p.Arg687Cys). This variant has not been reported in the literature in individuals affected with MYH7B-related conditions. In summary, the available evidence is currently insufficient to determine the role of this variant in disease. Therefore, it has been classified as a Variant of Uncertain Significance. Algorithms developed to predict the effect of missense changes on protein structure and function (SIFT, PolyPhen-2, Align-GVGD) all suggest that this variant is likely to be disruptive.

NM_020884.7(MYH7B):c.1933C>T (p.Arg645Cys)

Gene: MYH7B (myosin heavy chain 7B; plus strand). Cytogenetic location: 20q11.22.
Variant type: single nucleotide variant.
Coding change: c.1933C>T on transcript NM_020884.7 (MANE Select); coding-DNA position 1933, C replaced by T.
Protein change: p.Arg645Cys; replaces arginine 645 with cysteine.
Molecular consequence: missense variant.
Genome position (GRCh38, 1-based): chr20:34,990,266, C>T. VCF-style: chr20-34990266-C-T. GRCh37 (hg19) VCF-style: chr20-33578069-C-T.
Other names: short protein forms R645C.
Identifiers: ClinVar variation 1488616 (VCV001488616.6), dbSNP rs1196931413, ClinGen allele CA408703703.
Genomic context (GRCh38, chr20:34,990,266, plus strand): 5'-GAGTGACCAGGCCCCTTGTCTCTATTAGCTGAGCCCCCCAAGTCTGGGGTGAAAGAGAAG[C>T]GTAAGAAGGCAGCATCGTTCCAGACGGTGTCCCAGCTGCACAAGGTAAGGCCCCATCTGG-3'
Protein context (NP_065935.4, residues 635-655): EPPKSGVKEK[Arg645Cys]KKAASFQTVS